The following is an entry in ClinVar:

NM_001199138.2(NLRC4):c.1531G>A (p.Ala511Thr)

Gene: NLRC4 (NLR family CARD domain containing 4; minus strand). Cytogenetic location: 2p22.3.
Variant type: single nucleotide variant.
Coding change: c.1531G>A on transcript NM_001199138.2 (MANE Select); coding-DNA position 1531, G replaced by A.
Protein change: p.Ala511Thr; replaces alanine 511 with threonine.
Molecular consequence: missense variant. On other transcripts: intron variant (1).
Genome position (GRCh38, 1-based): chr2:32,250,333, C>T on the plus strand (G>A on the coding strand, the complement: NLRC4 is on the minus strand). VCF-style: chr2-32250333-C-T. GRCh37 (hg19) VCF-style: chr2-32475402-C-T.
Other names: c.1531G>A, p.Ala511Thr (NM_001199139.2, NM_021209.5); c.262+2086G>A (NM_001302504.1); short protein forms A511T.
Identifiers: ClinVar variation 1387455 (VCV001387455.8), dbSNP rs762082592, ClinGen allele CA1601978.

ClinVar aggregate classification (germline): Uncertain significance (1 of 4 stars; one submission).

Conditions:
Familial cold autoinflammatory syndrome 4 (FCAS4). Identifiers: Orphanet 47045, Orphanet 576349, MedGen C4015276, MONDO:0014498, OMIM 616115.
Periodic fever-infantile enterocolitis-autoinflammatory syndrome. Also called: Autoinflammation with infantile enterocolitis. Identifiers: Orphanet 436166, MedGen C4015067, MONDO:0014472, OMIM 616050.

Allele frequency attached by ClinVar (database versions not stated): gnomAD exomes below 0.00001; ExAC 0.00001.
gnomAD v4.1: 4 of 1,614,186 alleles (0.00025%); highest among the groups gnomAD compares: South Asian, 0.0022%; no homozygotes.

Submission:

Labcorp Genetics (formerly Invitae), Labcorp
Classification: Uncertain significance for Periodic fever-infantile enterocolitis-autoinflammatory syndrome; Familial cold autoinflammatory syndrome 4. Last evaluated: 2023-10-07. Review status: criteria provided, single submitter. Criteria: Invitae Variant Classification Sherloc (09022015). Collection method: clinical testing. Allele origin: germline.
Comment: This sequence change replaces alanine, which is neutral and non-polar, with threonine, which is neutral and polar, at codon 511 of the NLRC4 protein (p.Ala511Thr). This variant is present in population databases (rs762082592, gnomAD 0.003%). This variant has not been reported in the literature in individuals affected with NLRC4-related conditions. ClinVar contains an entry for this variant (Variation ID: 1387455). Advanced modeling of protein sequence and biophysical properties (such as structural, functional, and spatial information, amino acid conservation, physicochemical variation, residue mobility, and thermodynamic stability) performed at Invitae indicates that this missense variant is not expected to disrupt NLRC4 protein function. In summary, the available evidence is currently insufficient to determine the role of this variant in disease. Therefore, it has been classified as a Variant of Uncertain Significance.